The following is an entry in ClinVar:

ClinVar aggregate classification (germline): Uncertain significance (1 of 4 stars; one submission).

Conditions:
RAI1-related disorder. Also called: RAI1-related condition.

Submission:

PreventionGenetics, part of Exact Sciences
Classification: Uncertain significance for RAI1-related condition. Last evaluated: 2024-12-12. Review status: criteria provided, single submitter. Criteria: ACMG Guidelines, 2015. Collection method: clinical testing. Allele origin: germline.
Comment: The RAI1 c.5300G>A variant is predicted to result in the amino acid substitution p.Gly1767Asp. To our knowledge, this variant has not been reported in the literature or in a large population database (gnomAD), indicating this variant is rare. At this time, the clinical significance of this variant is uncertain due to the absence of conclusive functional and genetic evidence.

NM_030665.4(RAI1):c.5300G>A (p.Gly1767Asp)

Gene: RAI1 (retinoic acid induced 1; plus strand). Cytogenetic location: 17p11.2.
Variant type: single nucleotide variant.
Coding change: c.5300G>A on transcript NM_030665.4 (MANE Select); coding-DNA position 5300, G replaced by A.
Protein change: p.Gly1767Asp; replaces glycine 1767 with aspartic acid.
Molecular consequence: missense variant.
Genome position (GRCh38, 1-based): chr17:17,798,248, G>A. VCF-style: chr17-17798248-G-A. GRCh37 (hg19) VCF-style: chr17-17701562-G-A.
Other names: short protein forms G1767D.
Identifiers: ClinVar variation 4996832 (VCV004996832.1).
Genomic context (GRCh38, chr17:17,798,248, plus strand): 5'-CTGCCGCCACTGCCGGGAAGCCCCCCAGGCCTGACGGCCCAGCTGACCCGGCCAAGCAGG[G>A]CCCACTGCGCACCAGTGCCCGGGGCCTGTCCCGGAGGCTGCAGAGCTGCTACTGCTGTGA-3'
Protein context (NP_109590.3, residues 1757-1777): PDGPADPAKQ[Gly1767Asp]PLRTSARGLS